The following is an entry in ClinVar:

ClinVar aggregate classification (germline): Uncertain significance. Review status: criteria provided, multiple submitters, no conflicts (2 of 4 stars). 2 submissions from 2 submitters: Uncertain significance (2). Last evaluated 2026-01-12.

Conditions:
Long QT syndrome (LQTS). Identifiers: MedGen C0023976, MeSH D008133, MONDO:0002442. Disease mechanism: loss of function. Inheritance: Various modes of inheritance.
Long QT syndrome 11 (LQT11). Identifiers: Orphanet 101016, Orphanet 768, MedGen C2678483, MONDO:0012738, OMIM 611820.

Allele frequency attached by ClinVar (database versions not stated): gnomAD exomes below 0.00001 and 0.00001; ExAC 0.00001; gnomAD 0.00003; TOPMed 0.00003; ESP Exome Variant Server 0.00008.
gnomAD v4.1: 8 of 1,613,578 alleles (0.0005%); highest among the groups gnomAD compares: African/African-American, 0.008%; no homozygotes.

Submissions (2):

Labcorp Genetics (formerly Invitae), Labcorp
Classification: Uncertain significance for Long QT syndrome. Last evaluated: 2026-01-12. Review status: criteria provided, single submitter. Criteria: Invitae Variant Classification Sherloc (09022015). Collection method: clinical testing. Allele origin: germline.
Comment: This sequence change replaces threonine, which is neutral and polar, with alanine, which is neutral and non-polar, at codon 938 of the AKAP9 protein (p.Thr938Ala). This variant is present in population databases (rs148584647, gnomAD 0.02%). This variant has not been reported in the literature in individuals affected with AKAP9-related conditions. ClinVar contains an entry for this variant (Variation ID: 849537). An algorithm developed to predict the effect of missense changes on protein structure and function (PolyPhen-2) suggests that this variant is likely to be tolerated. In summary, the available evidence is currently insufficient to determine the role of this variant in disease. Therefore, it has been classified as a Variant of Uncertain Significance.

Fulgent Genetics
Classification: Uncertain significance for Long QT syndrome 11. Last evaluated: 2021-11-28. Review status: criteria provided, single submitter. Criteria: ACMG Guidelines, 2015. Collection method: clinical testing. Allele origin: unknown.

NM_005751.5(AKAP9):c.2812A>G (p.Thr938Ala)

Gene: AKAP9 (A-kinase anchoring protein 9; plus strand). Cytogenetic location: 7q21.2.
Variant type: single nucleotide variant.
Coding change: c.2812A>G on transcript NM_005751.5 (MANE Select); coding-DNA position 2812, A replaced by G.
Protein change: p.Thr938Ala; replaces threonine 938 with alanine.
Molecular consequence: missense variant.
Genome position (GRCh38, 1-based): chr7:92,002,729, A>G. VCF-style: chr7-92002729-A-G. GRCh37 (hg19) VCF-style: chr7-91632043-A-G.
Other names: c.2812A>G, p.Thr938Ala (NM_147185.3); short protein forms T938A.
Identifiers: ClinVar variation 849537 (VCV000849537.10), dbSNP rs148584647, ClinGen allele CA4336202.